The following is an entry in ClinVar:

ClinVar aggregate classification (germline): Pathogenic (1 of 4 stars; one submission).

Submission:

GeneDx
Classification: Pathogenic. Last evaluated: 2025-04-18. Review status: criteria provided, single submitter. Criteria: GeneDx Variant Classification Process June 2021. Collection method: clinical testing. Allele origin: germline. Affected: yes.
Comment: Nonsense variant in the C-terminus predicted to result in protein truncation, as the last 901 amino acids are lost, and other loss-of-function variants have been reported downstream in the Human Gene Mutation Database (HGMD); Not observed at significant frequency in large population cohorts (gnomAD); Has not been previously published as pathogenic or benign to our knowledge

NM_001282531.3(ADNP):c.604G>T (p.Glu202Ter)

Gene: ADNP (activity dependent neuroprotector homeobox; minus strand). Cytogenetic location: 20q13.13.
Variant type: single nucleotide variant.
Coding change: c.604G>T on transcript NM_001282531.3 (MANE Select); coding-DNA position 604, G replaced by T.
Protein change: p.Glu202Ter; replaces glutamic acid 202 with a stop codon.
Molecular consequence: nonsense. On other transcripts: 5 prime UTR variant (1).
Genome position (GRCh38, 1-based): chr20:50,894,110, C>A on the plus strand (G>T on the coding strand, the complement: ADNP is on the minus strand). VCF-style: chr20-50894110-C-A. GRCh37 (hg19) VCF-style: chr20-49510647-C-A.
Other names: c.-81G>T (NM_001439001.1); c.604G>T, p.Glu202Ter (NM_015339.5, NM_181442.4, NM_001282532.2 and 1 more transcripts); c.820G>T, p.Glu274Ter (NM_001439000.1); short protein forms E202*, E274*.
Identifiers: ClinVar variation 4528292 (VCV004528292.1).